The following is an entry in ClinVar:

ClinVar aggregate classification (germline): Uncertain significance (1 of 4 stars; one submission).

Conditions:
Malignant hyperthermia, susceptibility to, 1 (MHS1). Also called: RYR1-Related Malignant Hyperthermia Susceptibility; Malignant hyperthermia suceptibility 1; Anesthesia related hyperthermia; Malignant hyperpyrexia; Fulminating hyperpyrexia; Pharmacogenic myopathy. Identifiers: Orphanet 423, MedGen C2930980, MONDO:0007783, OMIM 145600.

Submission:

Color Diagnostics, LLC DBA Color Health
Classification: Uncertain significance for Malignant hyperthermia, susceptibility to, 1. Last evaluated: 2025-08-30. Review status: criteria provided, single submitter. Criteria: ACMG Guidelines, 2015. Collection method: clinical testing. Allele origin: germline.
Comment: This missense variant replaces glutamic acid with alanine at codon 4621 of the RYR1 protein. Computational prediction is inconclusive regarding the impact of this variant on protein structure and function. To our knowledge, functional studies have not been reported for this variant. This variant has not been reported in individuals affected with RYR1-related disorders in the literature. This variant has not been identified in the general population by the Genome Aggregation Database (gnomAD). The available evidence is insufficient to determine the role of this variant in disease conclusively. Therefore, this variant is classified as a Variant of Uncertain Significance.

NM_000540.3(RYR1):c.13862A>C (p.Glu4621Ala)

Gene: RYR1 (ryanodine receptor 1; plus strand). Cytogenetic location: 19q13.2.
Variant type: single nucleotide variant.
Coding change: c.13862A>C on transcript NM_000540.3 (MANE Select); coding-DNA position 13862, A replaced by C.
Protein change: p.Glu4621Ala; replaces glutamic acid 4621 with alanine.
Molecular consequence: missense variant.
Genome position (GRCh38, 1-based): chr19:38,572,134, A>C. VCF-style: chr19-38572134-A-C. GRCh37 (hg19) VCF-style: chr19-39062774-A-C.
Other names: c.13847A>C, p.Glu4616Ala (NM_001042723.2); short protein forms E4616A, E4621A.
Identifiers: ClinVar variation 4757791 (VCV004757791.1).